The following is an entry in ClinVar:

NM_005219.5(DIAPH1):c.933+7A>G

Gene: DIAPH1 (diaphanous related formin 1; minus strand). Cytogenetic location: 5q31.3.
Variant type: single nucleotide variant.
Coding change: c.933+7A>G on transcript NM_005219.5 (MANE Select); 7 bases into the intron after coding-DNA position 933, A replaced by G.
Molecular consequence: intron variant.
Genome position (GRCh38, 1-based): chr5:141,579,081, T>C on the plus strand (A>G on the coding strand, the complement: DIAPH1 is on the minus strand). VCF-style: chr5-141579081-T-C. GRCh37 (hg19) VCF-style: chr5-140958648-T-C.
Other names: c.906+7A>G (NM_001079812.3); c.933+7A>G (NM_001314007.2).
Identifiers: ClinVar variation 1994061 (VCV001994061.4), dbSNP rs922172379, ClinGen allele CA128440110.
Genomic context (GRCh38, chr5:141,579,081, plus strand): 5'-TCAAATGAATTTAAGTCTGTCCATCTTGAATTCTATTCTTGGGCCCAGTTTCAGGGGATA[T>C]ACATGCCTTCAGTGCAATAGTGGTTCCACTTTTTAATCCATCCAGCAGCGGCTGGAAACG-3'

ClinVar aggregate classification (germline): Uncertain significance (1 of 4 stars; one submission).

Conditions:
Progressive microcephaly-seizures-cortical blindness-developmental delay syndrome. Also called: Seizures, cortical blindness, and microcephaly syndrome. Identifiers: Orphanet 477814, MedGen C5567650, MONDO:0014714, OMIM 616632.
Autosomal dominant nonsyndromic hearing loss 1. Also called: KONIGSMARK SYNDROME; DEAFNESS, AUTOSOMAL DOMINANT 1, WITH OR WITHOUT THROMBOCYTOPENIA. Identifiers: Orphanet 90635, MedGen C1852282, MONDO:0007424, OMIM 124900.

Allele frequency attached by ClinVar (database versions not stated): gnomAD 0.00001; gnomAD exomes 0.00001; TOPMed 0.00002.
gnomAD v4.1: 15 of 1,606,180 alleles (0.00093%); highest among the groups gnomAD compares: African/African-American, 0.0027%; no homozygotes.

Submission:

Labcorp Genetics (formerly Invitae), Labcorp
Classification: Uncertain significance for Progressive microcephaly-seizures-cortical blindness-developmental delay syndrome; Autosomal dominant nonsyndromic hearing loss 1. Last evaluated: 2025-06-24. Review status: criteria provided, single submitter. Criteria: Invitae Variant Classification Sherloc (09022015). Collection method: clinical testing. Allele origin: germline.
Comment: This sequence change falls in intron 9 of the DIAPH1 gene. It does not directly change the encoded amino acid sequence of the DIAPH1 protein. This variant is present in population databases (no rsID available, gnomAD 0.002%). This variant has not been reported in the literature in individuals affected with DIAPH1-related conditions. ClinVar contains an entry for this variant (Variation ID: 1994061). Algorithms developed to predict the effect of sequence changes on RNA splicing suggest that this variant may disrupt the consensus splice site. In summary, the available evidence is currently insufficient to determine the role of this variant in disease. Therefore, it has been classified as a Variant of Uncertain Significance.